The following is an entry in ClinVar:

NM_001401501.2(MUC16):c.44992G>A (p.Gly14998Arg)

Gene: MUC16 (mucin 16, cell surface associated; minus strand). Cytogenetic location: 19p13.2.
Variant type: single nucleotide variant.
Coding change: c.44992G>A on transcript NM_001401501.2 (MANE Select); coding-DNA position 44992, G replaced by A.
Protein change: p.Gly14998Arg; replaces glycine 14998 with arginine.
Molecular consequence: missense variant.
Genome position (GRCh38, 1-based): chr19:8,865,686, C>T on the plus strand (G>A on the coding strand, the complement: MUC16 is on the minus strand). VCF-style: chr19-8865686-C-T. GRCh37 (hg19) VCF-style: chr19-8976362-C-T.
Other names: c.45418G>A, p.Gly15140Arg (NM_001414686.1); c.44872G>A, p.Gly14958Arg (NM_001414687.1); c.42466G>A, p.Gly14156Arg (NM_024690.2); short protein forms G14156R, G14958R, G14998R, G15140R.
Identifiers: ClinVar variation 3040472 (VCV003040472.2), dbSNP rs116913217, ClinGen allele CA9162361.

ClinVar aggregate classification (germline): Benign (0 of 4 stars; one submission).

Conditions:
MUC16-related disorder. Also called: MUC16-related condition.

Allele frequency attached by ClinVar (database versions not stated): ESP Exome Variant Server 0.00008; gnomAD exomes 0.00053; 1000 Genomes Project 30x 0.00453; 1000 Genomes Project 0.00479.

Submission:

PreventionGenetics, part of Exact Sciences
Classification: Benign for MUC16-related condition. Last evaluated: 2019-10-28. Review status: no assertion criteria provided. Collection method: clinical testing. Allele origin: germline.
Comment: This variant is classified as benign based on ACMG/AMP sequence variant interpretation guidelines (Richards et al. 2015 PMID: 25741868, with internal and published modifications).